The following is an entry in ClinVar:

ClinVar aggregate classification (germline): Uncertain significance. Review status: criteria provided, multiple submitters, no conflicts (2 of 4 stars). 2 submissions from 2 submitters: Uncertain significance (2). Last evaluated 2026-01-11.

Conditions:
Inborn genetic diseases. Identifiers: MedGen C0950123, MeSH D030342.
Ellis-van Creveld syndrome (EVC). Also called: MESOECTODERMAL DYSPLASIA; EVC-Related Ellis-van Creveld Syndrome; EVC2-Related Ellis-van Creveld Syndrome; Chondroectodermal dysplasia. Identifiers: Orphanet 289, MedGen C0013903, MONDO:0009162, OMIM 225500.
Curry-Hall syndrome (WAD). Also called: WEYERS ACRODENTAL DYSOSTOSIS. Identifiers: Orphanet 952, MedGen C0457013, MONDO:0008673, OMIM 193530.

gnomAD v4.1: 18 of 1,614,032 alleles (0.0011%); highest among the groups gnomAD compares: African/African-American, 0.019%; no homozygotes.

Submissions (2):

Labcorp Genetics (formerly Invitae), Labcorp
Classification: Uncertain significance for Curry-Hall syndrome; Ellis-van Creveld syndrome. Last evaluated: 2026-01-11. Review status: criteria provided, single submitter. Criteria: Invitae Variant Classification Sherloc (09022015). Collection method: clinical testing. Allele origin: germline.
Comment: This sequence change replaces phenylalanine, which is neutral and non-polar, with leucine, which is neutral and non-polar, at codon 140 of the EVC2 protein (p.Phe140Leu). This variant is present in population databases (rs775028194, gnomAD 0.01%). This variant has not been reported in the literature in individuals affected with EVC2-related conditions. ClinVar contains an entry for this variant (Variation ID: 3846593). An algorithm developed to predict the effect of missense changes on protein structure and function outputs the following: PolyPhen-2: "Benign". The leucine amino acid residue is found in multiple mammalian species, which suggests that this missense change does not adversely affect protein function. In summary, the available evidence is currently insufficient to determine the role of this variant in disease. Therefore, it has been classified as a Variant of Uncertain Significance.

Ambry Genetics
Classification: Uncertain significance for Inborn genetic diseases. Last evaluated: 2025-01-01. Review status: criteria provided, single submitter. Criteria: Ambry Variant Classification Scheme 2023. Collection method: clinical testing. Allele origin: germline.

NM_147127.5(EVC2):c.418T>C (p.Phe140Leu)

Gene: EVC2 (EvC ciliary complex subunit 2; minus strand). Cytogenetic location: 4p16.2.
Variant type: single nucleotide variant.
Coding change: c.418T>C on transcript NM_147127.5 (MANE Select); coding-DNA position 418, T replaced by C.
Protein change: p.Phe140Leu; replaces phenylalanine 140 with leucine.
Molecular consequence: missense variant.
Genome position (GRCh38, 1-based): chr4:5,694,367, A>G on the plus strand (T>C on the coding strand, the complement: EVC2 is on the minus strand). VCF-style: chr4-5694367-A-G. GRCh37 (hg19) VCF-style: chr4-5696094-A-G.
Other names: c.178T>C, p.Phe60Leu (NM_001166136.2); short protein forms F140L, F60L.
Identifiers: ClinVar variation 3846593 (VCV003846593.2).
Genomic context (GRCh38, chr4:5,694,367, plus strand): 5'-GTGTTAAAGCATTGAACTTAATACTTACCAGGCGGTGTGTTATAGGAGACTCTCTTTTAA[A>G]TAAGTTCTTCTTAGGCCAGGAGGGTATAAAAGCAAATAAGGAATGAGCCCATGGCCCACT-3'
Protein context (NP_667338.3, residues 130-150): FIPSWPKKNL[Phe140Leu]KRESPITHRL